The following is an entry in ClinVar:

ClinVar aggregate classification (germline): Pathogenic. Review status: criteria provided, single submitter (1 of 4 stars). 2 submissions from 2 submitters: Pathogenic (1). 1 of the submissions does not count toward it. Last evaluated 2024-02-27.

Conditions:
PROC-related disorder. Also called: PROC-related condition.
Thrombophilia due to protein C deficiency, autosomal dominant. Also called: PROC DEFICIENCY, AUTOSOMAL DOMINANT; PROTEIN C DEFICIENCY, AUTOSOMAL DOMINANT. Identifiers: Orphanet 745, MedGen C2674321, MONDO:0008316, OMIM 176860. Disease mechanism: loss of function.

Allele frequency attached by ClinVar (database versions not stated): TOPMed 0.00001.

Submissions (2):

Labcorp Genetics (formerly Invitae), Labcorp
Classification: Pathogenic for Thrombophilia due to protein C deficiency, autosomal dominant. Last evaluated: 2024-02-27. Review status: criteria provided, single submitter. Criteria: Invitae Variant Classification Sherloc (09022015). Collection method: clinical testing. Allele origin: germline.
Comment: This sequence change affects a donor splice site in intron 5 of the PROC gene. It is expected to disrupt RNA splicing. Variants that disrupt the donor or acceptor splice site typically lead to a loss of protein function (PMID: 16199547), and loss-of-function variants in PROC are known to be pathogenic (PMID: 17152060). This variant is not present in population databases (gnomAD no frequency). Disruption of this splice site has been observed in individuals with protein C deficiency (PMID: 9840027, 22627591). ClinVar contains an entry for this variant (Variation ID: 661205). Algorithms developed to predict the effect of sequence changes on RNA splicing suggest that this variant may disrupt the consensus splice site. For these reasons, this variant has been classified as Pathogenic.

PreventionGenetics, part of Exact Sciences
Classification: Likely pathogenic for PROC-related condition. Last evaluated: 2024-05-23. Review status: no assertion criteria provided. Collection method: clinical testing. Allele origin: germline. Not counted in ClinVar's aggregate classification.
Comment: The PROC c.400+1G>A variant is predicted to disrupt the GT donor site and interfere with normal splicing. To our knowledge this variant has not been reported in literature. This variant has not been reported in a large population database, indicating this variant is rare. Variants that disrupt the consensus splice donor site in PROC are expected to be pathogenic. This variant is interpreted as likely pathogenic.

Literature cited by the submitters: PubMed 16199547 (cited by Labcorp Genetics (formerly Invitae), Labcorp); PubMed 17152060 (cited by Labcorp Genetics (formerly Invitae), Labcorp); PubMed 9840027 (cited by Labcorp Genetics (formerly Invitae), Labcorp); PubMed 22627591 (cited by Labcorp Genetics (formerly Invitae), Labcorp).

NM_000312.4(PROC):c.400+1G>A

Gene: PROC (protein C, inactivator of coagulation factors Va and VIIIa; plus strand). Cytogenetic location: 2q14.3.
Variant type: single nucleotide variant.
Coding change: c.400+1G>A on transcript NM_000312.4 (MANE Select); the canonical splice donor site of the intron after coding-DNA position 400, G replaced by A.
Molecular consequence: splice donor variant. On other transcripts: missense variant (4).
Genome position (GRCh38, 1-based): chr2:127,423,172, G>A. VCF-style: chr2-127423172-G-A. GRCh37 (hg19) VCF-style: chr2-128180748-G-A.
Other names: c.464G>A, p.Gly155Asp (NM_001375603.1); c.401G>A, p.Gly134Asp (NM_001375605.1); c.556G>A, p.Val186Met (NM_001375606.1); c.485G>A, p.Gly162Asp (NM_001375607.1); c.400+1G>A (NM_001375611.1, NM_001375608.1, NM_001375613.1); c.583+1G>A (NM_001375602.1); c.394+1G>A (NM_001375610.1); c.463+1G>A (NM_001375604.1); and 1 more; short protein forms G134D, G155D, G162D, V186M.
Identifiers: ClinVar variation 661205 (VCV000661205.10), dbSNP rs1189377845, ClinGen allele CA348399209.